The following is an entry in ClinVar:

NM_001084.5(PLOD3):c.1161C>G (p.Phe387Leu)

Gene: PLOD3 (procollagen-lysine,2-oxoglutarate 5-dioxygenase 3; minus strand). Cytogenetic location: 7q22.1.
Variant type: single nucleotide variant.
Coding change: c.1161C>G on transcript NM_001084.5 (MANE Select); coding-DNA position 1161, C replaced by G.
Protein change: p.Phe387Leu; replaces phenylalanine 387 with leucine.
Molecular consequence: missense variant.
Genome position (GRCh38, 1-based): chr7:101,211,917, G>C on the plus strand (C>G on the coding strand, the complement: PLOD3 is on the minus strand). VCF-style: chr7-101211917-G-C. GRCh37 (hg19) VCF-style: chr7-100855198-G-C.
Other names: short protein forms F387L.
Identifiers: ClinVar variation 3694655 (VCV003694655.2).

ClinVar aggregate classification (germline): Uncertain significance (1 of 4 stars; one submission).

Submission:

Labcorp Genetics (formerly Invitae), Labcorp
Classification: Uncertain significance. Last evaluated: 2024-07-08. Review status: criteria provided, single submitter. Criteria: Invitae Variant Classification Sherloc (09022015). Collection method: clinical testing. Allele origin: germline.
Comment: This sequence change replaces phenylalanine, which is neutral and non-polar, with leucine, which is neutral and non-polar, at codon 387 of the PLOD3 protein (p.Phe387Leu). This variant is not present in population databases (gnomAD no frequency). This variant has not been reported in the literature in individuals affected with PLOD3-related conditions. Advanced modeling of protein sequence and biophysical properties (such as structural, functional, and spatial information, amino acid conservation, physicochemical variation, residue mobility, and thermodynamic stability) performed at Invitae indicates that this missense variant is not expected to disrupt PLOD3 protein function with a negative predictive value of 80%. In summary, the available evidence is currently insufficient to determine the role of this variant in disease. Therefore, it has been classified as a Variant of Uncertain Significance.